The following is an entry in ClinVar:

ClinVar aggregate classification (germline): Conflicting classifications of pathogenicity. Review status: criteria provided, conflicting classifications (1 of 4 stars). 2 submissions from 2 submitters: Pathogenic (1); Uncertain significance (1). Last evaluated 2025-12-10.

Conditions:
Legius syndrome. Identifiers: Orphanet 137605, MedGen C1969623, MONDO:0012669, OMIM 611431. Disease mechanism: loss of function.

Allele frequency attached by ClinVar (database versions not stated): TOPMed 0.00001; ExAC 0.00001; gnomAD 0.00002 and 0.00003; gnomAD exomes 0.00002.

Submissions (2):

GeneDx
Classification: Uncertain significance. Last evaluated: 2025-12-10. Review status: criteria provided, single submitter. Criteria: GeneDx Variant Classification Process June 2021. Collection method: clinical testing. Allele origin: germline.
Comment: In silico analysis supports that this missense variant has a deleterious effect on protein structure/function; Has not been previously published as pathogenic or benign to our knowledge

Labcorp Genetics (formerly Invitae), Labcorp
Classification: Pathogenic for Legius syndrome. Last evaluated: 2025-11-27. Review status: criteria provided, single submitter. Criteria: Invitae Variant Classification Sherloc (09022015). Collection method: clinical testing. Allele origin: germline.
Comment: This sequence change replaces arginine, which is basic and polar, with cysteine, which is neutral and slightly polar, at codon 61 of the SPRED1 protein (p.Arg61Cys). This variant is present in population databases (rs765788978, gnomAD 0.01%). This missense change has been observed in individuals with clinical features of Legius syndrome (internal data). It has also been observed to segregate with disease in related individuals. Invitae Evidence Modeling of clinical and family history, age, sex, and reported ancestry of multiple individuals with this SPRED1 variant has been performed. This variant is expected to be pathogenic with a positive predictive value of at least 99%. This is a validated machine learning model that incorporates the clinical features of 198,265 individuals referred to our laboratory for SPRED1 testing. ClinVar contains an entry for this variant (Variation ID: 658760). Invitae Evidence Modeling incorporating data from in vitro experimental studies (internal data) indicates that this missense variant is not expected to disrupt SPRED1 function with a negative predictive value of 95%. For these reasons, this variant has been classified as Pathogenic.

NM_152594.3(SPRED1):c.181C>T (p.Arg61Cys)

Gene: SPRED1 (sprouty related EVH1 domain containing 1; plus strand). Cytogenetic location: 15q14.
Variant type: single nucleotide variant.
Coding change: c.181C>T on transcript NM_152594.3 (MANE Select); coding-DNA position 181, C replaced by T.
Protein change: p.Arg61Cys; replaces arginine 61 with cysteine.
Molecular consequence: missense variant.
Genome position (GRCh38, 1-based): chr15:38,299,521, C>T. VCF-style: chr15-38299521-C-T. GRCh37 (hg19) VCF-style: chr15-38591722-C-T.
Other names: short protein forms R61C.
Identifiers: ClinVar variation 658760 (VCV000658760.11), dbSNP rs765788978, ClinGen allele CA7470004.